The following is an entry in ClinVar:

ClinVar aggregate classification (germline): Conflicting classifications of pathogenicity. Review status: criteria provided, conflicting classifications (1 of 4 stars). 6 submissions from 6 submitters: Uncertain significance (1); Benign (3); Likely benign (2). Last evaluated 2026-02-01.

Conditions:
Congenital contractural arachnodactyly (CCA). Also called: Arthrogryposis, distal, type 9; BEALS SYNDROME; Beals-Hecht syndrome. Identifiers: Orphanet 115, MedGen C0220668, MONDO:0007363, OMIM 121050.

Allele frequency attached by ClinVar (database versions not stated): ExAC 0.00015; gnomAD exomes 0.00015 and 0.00018; 1000 Genomes Project 0.00020; gnomAD 0.00032 and 0.00034; TOPMed 0.00052.
gnomAD v4.1: 259 of 1,588,312 alleles (0.016%); highest among the groups gnomAD compares: African/African-American, 0.07%; no homozygotes.

Submissions (6):

Labcorp Genetics (formerly Invitae), Labcorp
Classification: Benign for Congenital contractural arachnodactyly. Last evaluated: 2026-02-01. Review status: criteria provided, single submitter. Criteria: Invitae Variant Classification Sherloc (09022015). Collection method: clinical testing. Allele origin: germline.

Blueprint Genetics
Classification: Likely benign. Last evaluated: 2024-11-04. Review status: criteria provided, single submitter. Criteria: ACMG Guidelines, 2015. Collection method: clinical testing. Allele origin: germline.

ARUP Laboratories, Molecular Genetics and Genomics, ARUP Laboratories
Classification: Likely benign. Last evaluated: 2024-01-26. Review status: criteria provided, single submitter. Criteria: ARUP Molecular Germline Variant Investigation Process 2024. Collection method: clinical testing. Allele origin: germline.

Women's Health and Genetics/Laboratory Corporation of America, LabCorp
Classification: Benign. Last evaluated: 2023-07-30. Review status: criteria provided, single submitter. Criteria: LabCorp Variant Classification Summary - May 2015. Collection method: clinical testing. Allele origin: germline.

Illumina Laboratory Services, Illumina
Classification: Uncertain significance for Congenital contractural arachnodactyly. Last evaluated: 2017-04-27. Review status: criteria provided, single submitter. Criteria: ICSL Variant Classification Criteria 13 December 2019. Collection method: clinical testing. Allele origin: germline.

GeneDx
Classification: Benign. Last evaluated: 2015-09-21. Review status: criteria provided, single submitter. Criteria: GeneDx Variant Classification (06012015). Collection method: clinical testing. Allele origin: germline. Affected: yes.
Comment: This variant is considered likely benign or benign based on one or more of the following criteria: it is a conservative change, it occurs at a poorly conserved position in the protein, it is predicted to be benign by multiple in silico algorithms, and/or has population frequency not consistent with disease.

NM_001999.4(FBN2):c.4472-11A>T

Gene: FBN2 (fibrillin 2; minus strand). Cytogenetic location: 5q23.3.
Variant type: single nucleotide variant.
Coding change: c.4472-11A>T on transcript NM_001999.4 (MANE Select); 11 bases into the intron before coding-DNA position 4472, A replaced by T.
Molecular consequence: intron variant.
Genome position (GRCh38, 1-based): chr5:128,319,012, T>A on the plus strand (A>T on the coding strand, the complement: FBN2 is on the minus strand). VCF-style: chr5-128319012-T-A. GRCh37 (hg19) VCF-style: chr5-127654704-T-A.
Identifiers: ClinVar variation 377868 (VCV000377868.15), dbSNP rs528062851, ClinGen allele CA3394927.